The following is an entry in ClinVar:

ClinVar aggregate classification (germline): Uncertain significance (1 of 4 stars; one submission).

Conditions:
Inborn genetic diseases. Identifiers: MedGen C0950123, MeSH D030342.

Submission:

Ambry Genetics
Classification: Uncertain significance for Inborn genetic diseases. Last evaluated: 2025-01-13. Review status: criteria provided, single submitter. Criteria: Ambry Variant Classification Scheme 2023. Collection method: clinical testing. Allele origin: germline.
Comment: The p.I257V variant (also known as c.769A>G), located in coding exon 8 of the AKT1 gene, results from an A to G substitution at nucleotide position 769. The isoleucine at codon 257 is replaced by valine, an amino acid with highly similar properties. This amino acid position is conserved. In addition, this alteration is predicted to be tolerated by in silico analysis. Based on the available evidence, the clinical significance of this variant remains unclear.

NM_001382430.1(AKT1):c.769A>G (p.Ile257Val)

Gene: AKT1 (AKT serine/threonine kinase 1; minus strand). Cytogenetic location: 14q32.33.
Variant type: single nucleotide variant.
Coding change: c.769A>G on transcript NM_001382430.1 (MANE Select); coding-DNA position 769, A replaced by G.
Protein change: p.Ile257Val; replaces isoleucine 257 with valine.
Molecular consequence: missense variant.
Genome position (GRCh38, 1-based): chr14:104,773,514, T>C on the plus strand (A>G on the coding strand, the complement: AKT1 is on the minus strand). VCF-style: chr14-104773514-T-C. GRCh37 (hg19) VCF-style: chr14-105239851-T-C.
Other names: c.769A>G, p.Ile257Val (NM_001014431.2, NM_001014432.2, NM_001382431.1 and 3 more transcripts); short protein forms I257V.
Identifiers: ClinVar variation 3850753 (VCV003850753.1).
Genomic context (GRCh38, chr14:104,773,514, plus strand): 5'-CCTTGAGGTCCCGGTACACCACGTTCTTCTCCGAGTGCAGGTAGTCCAGGGCTGACACAA[T>C]CTCAGCGCCATAGAAGCGGGCCCGGTCCTCGGAGAACACACGCTCCCGGGACAGGTGGAA-3'
Protein context (NP_001369359.1, residues 247-267): EDRARFYGAE[Ile257Val]VSALDYLHSE